The following is an entry in ClinVar:

ClinVar aggregate classification (germline): Uncertain significance (1 of 4 stars; one submission).

gnomAD v4.1: 2 of 1,614,104 alleles (0.00012%); highest among the groups gnomAD compares: Non-Finnish European, 0.00017%; no homozygotes.

Submission:

Labcorp Genetics (formerly Invitae), Labcorp
Classification: Uncertain significance. Last evaluated: 2025-01-30. Review status: criteria provided, single submitter. Criteria: Invitae Variant Classification Sherloc (09022015). Collection method: clinical testing. Allele origin: germline.
Comment: This sequence change replaces aspartic acid, which is acidic and polar, with asparagine, which is neutral and polar, at codon 406 of the NPAT protein (p.Asp406Asn). This variant is not present in population databases (gnomAD no frequency). This variant has not been reported in the literature in individuals affected with NPAT-related conditions. An algorithm developed to predict the effect of missense changes on protein structure and function outputs the following: PolyPhen-2: "Benign". The asparagine amino acid residue is found in multiple mammalian species, which suggests that this missense change does not adversely affect protein function. In summary, the available evidence is currently insufficient to determine the role of this variant in disease. Therefore, it has been classified as a Variant of Uncertain Significance.

NM_002519.3(NPAT):c.1216G>A (p.Asp406Asn)

Gene: NPAT (nuclear protein, coactivator of histone transcription; minus strand). Cytogenetic location: 11q22.3.
Variant type: single nucleotide variant.
Coding change: c.1216G>A on transcript NM_002519.3 (MANE Select); coding-DNA position 1216, G replaced by A.
Protein change: p.Asp406Asn; replaces aspartic acid 406 with asparagine.
Molecular consequence: missense variant.
Genome position (GRCh38, 1-based): chr11:108,173,768, C>T on the plus strand (G>A on the coding strand, the complement: NPAT is on the minus strand). VCF-style: chr11-108173768-C-T. GRCh37 (hg19) VCF-style: chr11-108044495-C-T.
Other names: c.1216G>A, p.Asp406Asn (NM_001321307.1); short protein forms D406N.
Identifiers: ClinVar variation 3690124 (VCV003690124.2).